The following is an entry in ClinVar:

ClinVar aggregate classification (germline): Likely pathogenic (1 of 4 stars; one submission).

Conditions:
Pitt-Hopkins syndrome (PTHS). Also called: ENCEPHALOPATHY, SEVERE EPILEPTIC, WITH AUTONOMIC DYSFUNCTION; MENTAL RETARDATION, SYNDROMAL, WITH INTERMITTENT HYPERVENTILATION. Identifiers: Orphanet 2896, MedGen C1970431, MONDO:0012589, OMIM 610954.

Submission:

New York Genome Center
Classification: Likely pathogenic for Pitt-Hopkins syndrome. Last evaluated: 2023-07-07. Review status: criteria provided, single submitter. Criteria: NYGC Assertion Criteria 2020. Collection method: clinical testing. Allele origin: germline. Affected: yes. Observed: 1 heterozygote.
Comment: This variant is absent from population databases (gnomAD v2.1.1 and v3.1.2, TOPMed Freeze 8), suggesting it is not a common benign variant in the populations represented in those databases. The c.1487-2A>G variant is located in the canonical splice acceptor site in intron 16 of this 20-exon gene and is presumed to result in loss of native splice acceptor site, which might result in loss-of-function either through protein truncation or nonsense-mediated mRNA decay. Based on the available evidence, the c.1487-2A>G splice-site variant identified in the TCF4 gene is reported as Likely Pathogenic.

NM_001083962.2(TCF4):c.1487-2A>G

Gene: TCF4 (transcription factor 4; minus strand). Cytogenetic location: 18q21.2.
Variant type: single nucleotide variant.
Coding change: c.1487-2A>G on transcript NM_001083962.2 (MANE Select); the canonical splice acceptor site of the intron before coding-DNA position 1487, A replaced by G.
Molecular consequence: splice acceptor variant.
Genome position (GRCh38, 1-based): chr18:55,232,673, T>C on the plus strand (A>G on the coding strand, the complement: TCF4 is on the minus strand). VCF-style: chr18-55232673-T-C. GRCh37 (hg19) VCF-style: chr18-52899904-T-C.
Other names: c.1793-2A>G (NM_001243226.3); c.1412-2A>G (NM_001369584.1, NM_001369576.1, NM_001369577.1 and 6 more transcripts); c.1415-2A>G (NM_001369582.1, NM_001243227.2, NM_001369583.1 and 5 more transcripts); c.1418-2A>G (NM_001369586.1); c.1487-2A>G (NM_001369571.1, NM_001369567.1, NM_001369572.1 and 2 more transcripts); c.1505-2A>G (NM_001243228.2); c.1478-2A>G (NM_001243230.2); c.1484-2A>G (NM_001369569.1, NM_001369573.1, NM_001369570.1 and 2 more transcripts); and 6 more.
Identifiers: ClinVar variation 2665084 (VCV002665084.1), dbSNP rs2511585414, ClinGen allele CA402530289.
Genomic context (GRCh38, chr18:55,232,673, plus strand): 5'-GGATTTGATCTCAGAGCTGCCAGAGGAGACACTCTGCCCCTGTAGTCCTGGTGGCATGCC[T>C]GCCGAAAAAGAGAAATCAGGTGACATGTACACCACAATCTCACTGCCTGCACACCAGATT-3'